The following is an entry in ClinVar:

ClinVar aggregate classification (germline): Benign. Review status: criteria provided, multiple submitters, no conflicts (2 of 4 stars). 2 submissions from 2 submitters: Benign (2). Last evaluated 2025-12-08.

Conditions:
Early-infantile DEE. Also called: Ohtahara syndrome; Early infantile epileptic encephalopathy; Early infantile epileptic encephalopathy with suppression bursts. Identifiers: Orphanet 1934, MedGen C0393706, MONDO:0800491.

Submissions (2):

Labcorp Genetics (formerly Invitae), Labcorp
Classification: Benign for Early-infantile DEE. Last evaluated: 2025-12-08. Review status: criteria provided, single submitter. Criteria: Invitae Variant Classification Sherloc (09022015). Collection method: clinical testing. Allele origin: germline.

GeneDx
Classification: Benign. Last evaluated: 2013-04-02. Review status: criteria provided, single submitter. Criteria: GeneDx Variant Classification (06012015). Collection method: clinical testing. Allele origin: germline. Affected: yes.
Comment: The variant is found in INFANT-EPI,EPILEPSY panel(s).

NM_001191061.2(SLC25A22):c.20+18dup

Gene: SLC25A22 (solute carrier family 25 member 22; minus strand). Cytogenetic location: 11p15.5.
Variant type: Duplication.
Coding change: c.20+18dup on transcript NM_001191061.2 (MANE Select); 18 bases into the intron after coding-DNA position 20, one base duplicated (G; older notation c.20+18dupG).
Molecular consequence: intron variant.
Genome position (GRCh38, 1-based): chr11:794,969, C duplicated on the plus strand (G on the coding strand, the reverse complement: SLC25A22 is on the minus strand); the first of 2 consecutive C bases (chr11:794,969-794,970); duplicating either gives the same sequence. VCF-style (leftmost placement, unchanged base first): chr11-794968-G-GC. GRCh37 (hg19) VCF-style: chr11-794968-G-GC.
Other names: c.20+18dup (NM_001191060.2, NM_024698.6).
Identifiers: ClinVar variation 207147 (VCV000207147.10), dbSNP rs796053236, ClinGen allele CA318331.